The following is an entry in ClinVar:

NM_001128164.2(ATXN1):c.609G>T (p.Gln203His)

Genes: ATXN1 (ataxin 1; minus strand), LOC108663993 (ataxin 1 repeat instability region; plus strand). Cytogenetic location: 6p22.3.
Variant type: single nucleotide variant.
Coding change: c.609G>T on transcript NM_001128164.2 (MANE Select); coding-DNA position 609, G replaced by T.
Protein change: p.Gln203His; replaces glutamine 203 with histidine.
Molecular consequence: missense variant. On other transcripts: 3 prime UTR variant (1).
Genome position (GRCh38, 1-based): chr6:16,327,702, C>A on the plus strand (G>T on the coding strand, the complement: ATXN1 is on the minus strand). VCF-style: chr6-16327702-C-A. GRCh37 (hg19) VCF-style: chr6-16327933-C-A.
Other names: c.609G>T, p.Gln203His (NM_000332.4); c.*22G>T (NM_001357857.2); short protein forms Q203H.
Identifiers: ClinVar variation 931497 (VCV000931497.8), dbSNP rs199744696, ClinGen allele CA3645584.

ClinVar aggregate classification (germline): Conflicting classifications of pathogenicity. Review status: criteria provided, conflicting classifications (1 of 4 stars). 3 submissions from 3 submitters: Uncertain significance (1); Likely benign (1). 1 of the submissions does not count toward it. Last evaluated 2024-01-16.

Conditions:
ATXN1-related disorder. Also called: ATXN1-related condition.
Inborn genetic diseases. Identifiers: MedGen C0950123, MeSH D030342.
Spinocerebellar ataxia type 1 (SCA1). Also called: MENZEL TYPE OPCA; SCHUT-HAYMAKER TYPE OPCA; SPINOCEREBELLAR ATROPHY I; CEREBELLOPARENCHYMAL DISORDER I; OLIVOPONTOCEREBELLAR ATROPHY I; OLIVOPONTOCEREBELLAR ATROPHY IV. Identifiers: Orphanet 98755, MedGen C0752120, MONDO:0008119, OMIM 164400.

Allele frequency attached by ClinVar (database versions not stated): ExAC 0.00024; gnomAD exomes 0.00037 and 0.00056; ESP Exome Variant Server 0.00056; gnomAD 0.00060 and 0.00061; 1000 Genomes Project 0.00080.
gnomAD v4.1: 891 of 1,599,578 alleles (0.056%); highest among the groups gnomAD compares: African/African-American, 0.074%; no homozygotes.

Submissions (3):

Ambry Genetics
Classification: Uncertain significance for Inborn genetic diseases. Last evaluated: 2024-01-16. Review status: criteria provided, single submitter. Criteria: Ambry Variant Classification Scheme 2023. Collection method: clinical testing. Allele origin: germline.

Centre for Mendelian Genomics, University Medical Centre Ljubljana
Classification: Likely benign for Spinocerebellar ataxia type 1. Last evaluated: 2019-02-16. Review status: criteria provided, single submitter. Criteria: ACMG Guidelines, 2015. Collection method: clinical testing. Allele origin: unknown. Affected: yes.
Comment: This variant was classified as: Likely benign. The following ACMG criteria were applied in classifying this variant: BP1,BP4.

PreventionGenetics, part of Exact Sciences
Classification: Likely benign for ATXN1-related condition. Last evaluated: 2020-01-31. Review status: no assertion criteria provided. Collection method: clinical testing. Allele origin: germline. Not counted in ClinVar's aggregate classification.
Comment: This variant is classified as likely benign based on ACMG/AMP sequence variant interpretation guidelines (Richards et al. 2015 PMID: 25741868, with internal and published modifications).